The following is an entry in ClinVar:

NM_001278116.2(L1CAM):c.2530C>T (p.His844Tyr)

Gene: L1CAM (L1 cell adhesion molecule; minus strand). Cytogenetic location: Xq28.
Variant type: single nucleotide variant.
Coding change: c.2530C>T on transcript NM_001278116.2 (MANE Select); coding-DNA position 2530, C replaced by T.
Protein change: p.His844Tyr; replaces histidine 844 with tyrosine.
Molecular consequence: missense variant.
Genome position (GRCh38, 1-based): chrX:153,865,721, G>A on the plus strand (C>T on the coding strand, the complement: L1CAM is on the minus strand). VCF-style: chrX-153865721-G-A. GRCh37 (hg19) VCF-style: chrX-153131176-G-A.
Other names: c.2530C>T, p.His844Tyr (NM_000425.5, NM_024003.3); c.2515C>T, p.His839Tyr (NM_001143963.2); short protein forms H839Y, H844Y.
Identifiers: ClinVar variation 4281944 (VCV004281944.1).

ClinVar aggregate classification (germline): Uncertain significance (1 of 4 stars; one submission).

Submission:

GeneDx
Classification: Uncertain significance. Last evaluated: 2025-04-15. Review status: criteria provided, single submitter. Criteria: GeneDx Variant Classification Process June 2021. Collection method: clinical testing. Allele origin: germline. Affected: yes.
Comment: Not observed at significant frequency in large population cohorts (gnomAD); In silico analysis supports that this missense variant has a deleterious effect on protein structure/function; Has not been previously published as pathogenic or benign to our knowledge; This variant is associated with the following publications: (PMID: 25641508)